The following is an entry in ClinVar:

ClinVar aggregate classification (germline): Uncertain significance (1 of 4 stars; one submission).

Conditions:
Microcephaly-thin corpus callosum-intellectual disability syndrome (NEDFCF). Also called: NEURODEVELOPMENTAL DISORDER WITH FEEDING DIFFICULTIES, THIN CORPUS CALLOSUM, AND FOOT DEFORMITY; Intellectual developmental disorder, autosomal recessive 40. Identifiers: Orphanet 397951, MedGen C3810080, MONDO:0014273, OMIM 615599.

Allele frequency attached by ClinVar (database versions not stated): ExAC 0.00001; TOPMed 0.00002; gnomAD 0.00001.
gnomAD v4.1: 29 of 1,613,458 alleles (0.0018%); highest among the groups gnomAD compares: Non-Finnish European, 0.0024%; no homozygotes.

Submission:

Victorian Clinical Genetics Services, Murdoch Childrens Research Institute
Classification: Uncertain significance for Microcephaly-thin corpus callosum-intellectual disability syndrome. Last evaluated: 2020-10-19. Review status: criteria provided, single submitter. Criteria: ACMG Guidelines, 2015. Collection method: clinical testing. Allele origin: germline. Inheritance: Autosomal recessive inheritance.
Comment: Based on the classification scheme VCGS_Germline_v1.3.3, this variant is classified as VUS-3C. Following criteria are met: 0105 - The mechanism of disease for this gene is not clearly established. (I) 0106 - This gene is associated with autosomal recessive disease. (I) 0200 - Variant is predicted to result in a missense amino acid change from tyrosine to phenylalanine. (I) 0251 - This variant is heterozygous. (I) 0304 - Variant is present in gnomAD (v2) <0.01 for a recessive condition (2 heterozygotes, 0 homozygotes). (SP) 0309 - An alternative amino acid change at the same position has been observed in gnomAD (v2) (1 heterozygote, 0 homozygotes). (I) 0503 - Missense variant consistently predicted to be tolerated by multiple in silico tools or not conserved in placental mammals with a minor amino acid change. (SB) 0600 - Variant is located in the annotated M1_like_TAF2 domain (NCBI). (I) 0705 - No comparable missense variants have previous evidence for pathogenicity. (I) 0807 - This variant has no previous evidence of pathogenicity. (I) 0905 - No published segregation evidence has been identified for this variant. (I) 1007 - No published functional evidence has been identified for this variant. (I) 1208 - Inheritance information for this variant is not currently available in this individual. (I) Legend: (SP) - Supporting pathogenic, (I) - Information, (SB) - Supporting benign

NM_003184.4(TAF2):c.938A>T (p.Tyr313Phe)

Gene: TAF2 (TATA-box binding protein associated factor 2; minus strand). Cytogenetic location: 8q24.12.
Variant type: single nucleotide variant.
Coding change: c.938A>T on transcript NM_003184.4 (MANE Select); coding-DNA position 938, A replaced by T.
Protein change: p.Tyr313Phe; replaces tyrosine 313 with phenylalanine.
Molecular consequence: missense variant.
Genome position (GRCh38, 1-based): chr8:119,797,701, T>A on the plus strand (A>T on the coding strand, the complement: TAF2 is on the minus strand). VCF-style: chr8-119797701-T-A. GRCh37 (hg19) VCF-style: chr8-120809941-T-A.
Other names: short protein forms Y313F.
Identifiers: ClinVar variation 1806342 (VCV001806342.1), dbSNP rs546728927, ClinGen allele CA4857459.